The following is an entry in ClinVar:

NM_133433.4(NIPBL):c.306G>T (p.Arg102Ser)

Gene: NIPBL (NIPBL cohesin loading factor; plus strand). Cytogenetic location: 5p13.2.
Variant type: single nucleotide variant.
Coding change: c.306G>T on transcript NM_133433.4 (MANE Select); coding-DNA position 306, G replaced by T.
Protein change: p.Arg102Ser; replaces arginine 102 with serine.
Molecular consequence: missense variant.
Genome position (GRCh38, 1-based): chr5:36,958,179, G>T. VCF-style: chr5-36958179-G-T. GRCh37 (hg19) VCF-style: chr5-36958281-G-T.
Other names: c.306G>T, p.Arg102Ser (NM_015384.5); short protein forms R102S.
Identifiers: ClinVar variation 1799481 (VCV001799481.7), dbSNP rs778661285, ClinGen allele CA3235779.

ClinVar aggregate classification (germline): Uncertain significance. Review status: criteria provided, multiple submitters, no conflicts (2 of 4 stars). 3 submissions from 3 submitters: Uncertain significance (3). Last evaluated 2025-01-12.

Conditions:
Cornelia de Lange syndrome 1 (CDLS1). Also called: NIPBL-Related Cornelia de Lange Syndrome; TYPUS DEGENERATIVUS AMSTELODAMENSIS; Brachmann de Lange syndrome. Identifiers: Orphanet 199, MedGen C4551851, MONDO:0007387, OMIM 122470.
Inborn genetic diseases. Identifiers: MedGen C0950123, MeSH D030342.

Allele frequency attached by ClinVar (database versions not stated): TOPMed below 0.00001; ExAC 0.00001; gnomAD exomes 0.00001.
gnomAD v4.1: 5 of 1,613,908 alleles (0.00031%); highest among the groups gnomAD compares: Non-Finnish European, 0.00042%; no homozygotes.

Submissions (3):

Labcorp Genetics (formerly Invitae), Labcorp
Classification: Uncertain significance for Cornelia de Lange syndrome 1. Last evaluated: 2025-01-12. Review status: criteria provided, single submitter. Criteria: Invitae Variant Classification Sherloc (09022015). Collection method: clinical testing. Allele origin: germline.
Comment: This sequence change replaces arginine, which is basic and polar, with serine, which is neutral and polar, at codon 102 of the NIPBL protein (p.Arg102Ser). This variant is present in population databases (rs778661285, gnomAD 0.0009%). This variant has not been reported in the literature in individuals affected with NIPBL-related conditions. ClinVar contains an entry for this variant (Variation ID: 1799481). Invitae Evidence Modeling of protein sequence and biophysical properties (such as structural, functional, and spatial information, amino acid conservation, physicochemical variation, residue mobility, and thermodynamic stability) has been performed for this missense variant. However, the output from this modeling did not meet the statistical confidence thresholds required to predict the impact of this variant on NIPBL protein function. In summary, the available evidence is currently insufficient to determine the role of this variant in disease. Therefore, it has been classified as a Variant of Uncertain Significance.

Revvity Omics, Revvity
Classification: Uncertain significance for Cornelia de Lange syndrome 1. Last evaluated: 2022-07-01. Review status: criteria provided, single submitter. Criteria: ACMG Guidelines, 2015. Collection method: clinical testing. Allele origin: germline.

Ambry Genetics
Classification: Uncertain significance for Inborn genetic diseases. Last evaluated: 2018-11-27. Review status: criteria provided, single submitter. Criteria: Ambry Variant Classification Scheme 2023. Collection method: clinical testing. Allele origin: germline.
Comment: The p.R102S variant (also known as c.306G>T), located in coding exon 3 of the NIPBL gene, results from a G to T substitution at nucleotide position 306. The arginine at codon 102 is replaced by serine, an amino acid with dissimilar properties. This amino acid position is highly conserved in available vertebrate species. In addition, this alteration is predicted to be deleterious by in silico analysis. Since supporting evidence is limited at this time, the clinical significance of this alteration remains unclear.